The following is an entry in ClinVar:

ClinVar aggregate classification (germline): Likely pathogenic (1 of 4 stars; one submission).

Conditions:
Cardiac-urogenital syndrome (CUGS). Also called: MYRF-Related Cardiac Urogenital Syndrome. Identifiers: Orphanet 647811, MedGen C4748946, MONDO:0032653, OMIM 618280.

Submission:

Rady Children's Institute for Genomic Medicine, Rady Children's Hospital San Diego
Classification: Likely pathogenic for Cardiac-urogenital syndrome. Last evaluated: 2019-05-17. Review status: criteria provided, single submitter. Criteria: ACMG Guidelines, 2015. Collection method: clinical testing. Allele origin: germline. Affected: yes.
Comment: This variant has not been previously reported or functionally characterized in the literature to our knowledge. It is absent from the ExAC and gnomAD population databases and thus is presumed to be rare. The c.2042C>A (p.Ala681Asp) variant affects a highly conserved amino acid and is predicted by multiple in silico tools to have a deleterious effect on protein function. Analysis of the parental samples was negative for the variant, indicating this variant likely occurred as a de novo event. Based on the available evidence, the c.2042C>A (p.Ala681Asp) variant is classified as Likely Pathogenic.

NM_001127392.3(MYRF):c.2042C>A (p.Ala681Asp)

Gene: MYRF (myelin regulatory factor; plus strand). Cytogenetic location: 11q12.2.
Variant type: single nucleotide variant.
Coding change: c.2042C>A on transcript NM_001127392.3 (MANE Select); coding-DNA position 2042, C replaced by A.
Protein change: p.Ala681Asp; replaces alanine 681 with aspartic acid.
Molecular consequence: missense variant.
Genome position (GRCh38, 1-based): chr11:61,779,291, C>A. VCF-style: chr11-61779291-C-A. GRCh37 (hg19) VCF-style: chr11-61546763-C-A.
Other names: c.2015C>A, p.Ala672Asp (NM_013279.4); short protein forms A672D, A681D.
Identifiers: ClinVar variation 986362 (VCV000986362.1), dbSNP rs2066476573, ClinGen allele CA380858304.
Genomic context (GRCh38, chr11:61,779,291, plus strand): 5'-GCCCATGGCCCATGGCCCATGGCCCATGGCAGGAGCGCATCTTCATGGAGAACGTAGGGG[C>A]CGTGAAGGAGCTGTGCAAGCTGACAGACAACCTGGAGACGCGCATTGATGAGCTGGAGCG-3'
Protein context (NP_001120864.1, residues 671-691): KERIFMENVG[Ala681Asp]VKELCKLTDN